The following is an entry in ClinVar:

ClinVar aggregate classification (germline): Uncertain significance (1 of 4 stars; one submission).

gnomAD v4.1: 5 of 1,614,018 alleles (0.00031%); highest among the groups gnomAD compares: African/African-American, 0.0067%; no homozygotes.

Submission:

Labcorp Genetics (formerly Invitae), Labcorp
Classification: Uncertain significance. Last evaluated: 2025-04-28. Review status: criteria provided, single submitter. Criteria: Invitae Variant Classification Sherloc (09022015). Collection method: clinical testing. Allele origin: germline.
Comment: This sequence change replaces alanine, which is neutral and non-polar, with threonine, which is neutral and polar, at codon 292 of the SERPING1 protein (p.Ala292Thr). This variant is present in population databases (rs367707244, gnomAD 0.02%). This variant has not been reported in the literature in individuals affected with SERPING1-related conditions. An algorithm developed to predict the effect of missense changes on protein structure and function outputs the following: PolyPhen-2: "Possibly Damaging". The threonine amino acid residue is found in multiple mammalian species, which suggests that this missense change does not adversely affect protein function. In summary, the available evidence is currently insufficient to determine the role of this variant in disease. Therefore, it has been classified as a Variant of Uncertain Significance.

NM_000062.3(SERPING1):c.874G>A (p.Ala292Thr)

Gene: SERPING1 (serpin family G member 1; plus strand). Cytogenetic location: 11q12.1.
Variant type: single nucleotide variant.
Coding change: c.874G>A on transcript NM_000062.3 (MANE Select); coding-DNA position 874, G replaced by A.
Protein change: p.Ala292Thr; replaces alanine 292 with threonine.
Molecular consequence: missense variant.
Genome position (GRCh38, 1-based): chr11:57,606,198, G>A. VCF-style: chr11-57606198-G-A. GRCh37 (hg19) VCF-style: chr11-57373671-G-A.
Other names: c.874G>A, p.Ala292Thr (NM_001032295.2); short protein forms A292T.
Identifiers: ClinVar variation 4780694 (VCV004780694.1).